The following is an entry in ClinVar:

ClinVar aggregate classification (germline): Uncertain significance. Review status: criteria provided, multiple submitters, no conflicts (2 of 4 stars). 2 submissions from 2 submitters: Uncertain significance (2). Last evaluated 2023-05-23.

Conditions:
Cardiovascular phenotype. Identifiers: MedGen CN230736.
Myofibrillar myopathy 4. Also called: Zaspopathy (type). Identifiers: Orphanet 98912, MedGen C4721886, MONDO:0012277, OMIM 609452.

Submissions (2):

Labcorp Genetics (formerly Invitae), Labcorp
Classification: Uncertain significance for Myofibrillar myopathy 4. Last evaluated: 2023-05-23. Review status: criteria provided, single submitter. Criteria: Invitae Variant Classification Sherloc (09022015). Collection method: clinical testing. Allele origin: germline.
Comment: In summary, the available evidence is currently insufficient to determine the role of this variant in disease. Therefore, it has been classified as a Variant of Uncertain Significance. Algorithms developed to predict the effect of sequence changes on RNA splicing suggest that this variant is not likely to affect RNA splicing. Experimental studies and prediction algorithms are not available or were not evaluated, and the functional significance of this variant is currently unknown. The LDB3 gene has multiple clinically relevant transcripts. This variant occurs in alternate transcript NM_007078.3, and corresponds to NM_001080116.1:c.321+1502G>A in the primary transcript. This sequence change replaces glycine, which is neutral and non-polar, with aspartic acid, which is acidic and polar, at codon 182 of the LDB3 protein (p.Gly182Asp). This variant is not present in population databases (gnomAD no frequency). This variant has not been reported in the literature in individuals affected with LDB3-related conditions. ClinVar contains an entry for this variant (Variation ID: 1604256).

Ambry Genetics
Classification: Uncertain significance for Cardiovascular phenotype. Last evaluated: 2022-12-25. Review status: criteria provided, single submitter. Criteria: Ambry Variant Classification Scheme 2023. Collection method: clinical testing. Allele origin: germline.
Comment: The p.G182D variant (also known as c.545G>A), located in coding exon 4 of the LDB3 gene, results from a G to A substitution at nucleotide position 545. The glycine at codon 182 is replaced by aspartic acid, an amino acid with similar properties. This amino acid position is conserved. In addition, this alteration is predicted to be tolerated by in silico analysis. Since supporting evidence is limited at this time, the clinical significance of this alteration remains unclear.

NM_007078.3(LDB3):c.545G>A (p.Gly182Asp)

Gene: LDB3 (LIM domain binding 3; plus strand). Cytogenetic location: 10q23.2.
Variant type: single nucleotide variant.
Coding change: c.545G>A on transcript NM_007078.3 (MANE Select); coding-DNA position 545, G replaced by A.
Protein change: p.Gly182Asp; replaces glycine 182 with aspartic acid.
Molecular consequence: missense variant. On other transcripts: intron variant (5).
Genome position (GRCh38, 1-based): chr10:86,681,659, G>A. VCF-style: chr10-86681659-G-A. GRCh37 (hg19) VCF-style: chr10-88441416-G-A.
Other names: c.545G>A, p.Gly182Asp (NM_001080115.2, NM_001171610.2, NM_001171611.2 and 3 more transcripts); c.321+1502G>A (NM_001368066.1, NM_001368068.1, NM_001080114.2 and 2 more transcripts); c.545G>A (NM_007078.2); short protein forms G182D.
Identifiers: ClinVar variation 1604256 (VCV001604256.10), dbSNP rs2132372366, ClinGen allele CA377454539.
Genomic context (GRCh38, chr10:86,681,659, plus strand): 5'-GCCCTCCGCGGGCCAGCCTGAGGGCCAAGACCAGCCCAGAGGGGGCCCGGGACCTACTCG[G>A]CCCAAAAGCCCTGCCGGGCTCGAGCCAGCCGAGGCAATATAACAACCCCATTGGCCTGTA-3'
Protein context (NP_009009.1, residues 172-192): TSPEGARDLL[Gly182Asp]PKALPGSSQP